The following is an entry in ClinVar:

ClinVar aggregate classification (germline): Uncertain significance (1 of 4 stars; one submission).

Submission:

Labcorp Genetics (formerly Invitae), Labcorp
Classification: Uncertain significance. Last evaluated: 2022-09-19. Review status: criteria provided, single submitter. Criteria: Invitae Variant Classification Sherloc (09022015). Collection method: clinical testing. Allele origin: germline.
Comment: This sequence change replaces glutamic acid, which is acidic and polar, with aspartic acid, which is acidic and polar, at codon 456 of the VPS33B protein (p.Glu456Asp). This variant is not present in population databases (gnomAD no frequency). This variant has not been reported in the literature in individuals affected with VPS33B-related conditions. Algorithms developed to predict the effect of missense changes on protein structure and function are either unavailable or do not agree on the potential impact of this missense change (SIFT: "Not Available"; PolyPhen-2: "Benign"; Align-GVGD: "Not Available"). In summary, the available evidence is currently insufficient to determine the role of this variant in disease. Therefore, it has been classified as a Variant of Uncertain Significance.

NM_018668.5(VPS33B):c.1368G>C (p.Glu456Asp)

Gene: VPS33B (VPS33B late endosome and lysosome associated; minus strand). Cytogenetic location: 15q26.1.
Variant type: single nucleotide variant.
Coding change: c.1368G>C on transcript NM_018668.5 (MANE Select); coding-DNA position 1368, G replaced by C.
Protein change: p.Glu456Asp; replaces glutamic acid 456 with aspartic acid.
Molecular consequence: missense variant.
Genome position (GRCh38, 1-based): chr15:91,002,087, C>G on the plus strand (G>C on the coding strand, the complement: VPS33B is on the minus strand). VCF-style: chr15-91002087-C-G. GRCh37 (hg19) VCF-style: chr15-91545317-C-G.
Other names: c.1287G>C, p.Glu429Asp (NM_001289148.1); c.1095G>C, p.Glu365Asp (NM_001289149.1); short protein forms E429D, E365D, E456D.
Identifiers: ClinVar variation 2013343 (VCV002013343.4), dbSNP rs2544209265, ClinGen allele CA393886487.